The following is an entry in ClinVar:

NM_000360.4(TH):c.1348C>A (p.Arg450Ser)

Gene: TH (tyrosine hydroxylase; minus strand). Cytogenetic location: 11p15.5.
Variant type: single nucleotide variant.
Coding change: c.1348C>A on transcript NM_000360.4 (MANE Select); coding-DNA position 1348, C replaced by A.
Protein change: p.Arg450Ser; replaces arginine 450 with serine.
Molecular consequence: missense variant.
Genome position (GRCh38, 1-based): chr11:2,164,379, G>T on the plus strand (C>A on the coding strand, the complement: TH is on the minus strand). VCF-style: chr11-2164379-G-T. GRCh37 (hg19) VCF-style: chr11-2185609-G-T.
Other names: c.1441C>A, p.Arg481Ser (NM_199292.3); c.1429C>A, p.Arg477Ser (NM_199293.3); short protein forms R477S, R450S, R481S.
Identifiers: ClinVar variation 1899038 (VCV001899038.2), dbSNP rs375084700, ClinGen allele CA379124647.

ClinVar aggregate classification (germline): Uncertain significance (1 of 4 stars; one submission).

Conditions:
TH-deficient dopa-responsive dystonia. Also called: Segawa syndrome, autosomal recessive; DYT-TH; Tyrosine Hydroxylase-Deficient Dopa-Responsive Dystonia. Identifiers: Orphanet 101150, MedGen C2673535, MONDO:0011551, OMIM 605407.

gnomAD v4.1: 1 of 1,549,588 alleles (0.000065%); highest among the groups gnomAD compares: Admixed American, 0.0019%; no homozygotes.

Submission:

Labcorp Genetics (formerly Invitae), Labcorp
Classification: Uncertain significance for TH-deficient dopa-responsive dystonia. Last evaluated: 2022-02-18. Review status: criteria provided, single submitter. Criteria: Invitae Variant Classification Sherloc (09022015). Collection method: clinical testing. Allele origin: germline.
Comment: This sequence change replaces arginine, which is basic and polar, with serine, which is neutral and polar, at codon 481 of the TH protein (p.Arg481Ser). This variant is not present in population databases (gnomAD no frequency). This variant has not been reported in the literature in individuals affected with TH-related conditions. Advanced modeling of protein sequence and biophysical properties (such as structural, functional, and spatial information, amino acid conservation, physicochemical variation, residue mobility, and thermodynamic stability) performed at Invitae indicates that this missense variant is not expected to disrupt TH protein function. In summary, the available evidence is currently insufficient to determine the role of this variant in disease. Therefore, it has been classified as a Variant of Uncertain Significance.